The following is an entry in ClinVar:

NC_000017.10:g.(?_66303635)_(66303872_?)del

Gene: ARSG (arylsulfatase G; plus strand). Cytogenetic location: 17q24.2.
Variant type: Deletion.
Identifiers: ClinVar variation 1449297 (VCV001449297.4).

ClinVar aggregate classification (germline): Uncertain significance (1 of 4 stars; one submission).

Submission:

Labcorp Genetics (formerly Invitae), Labcorp
Classification: Uncertain significance. Last evaluated: 2021-08-05. Review status: criteria provided, single submitter. Criteria: Invitae Variant Classification Sherloc (09022015). Collection method: clinical testing. Allele origin: germline.
Comment: In summary, the available evidence is currently insufficient to determine the role of this variant in disease. Therefore, it has been classified as a Variant of Uncertain Significance. This variant has not been reported in the literature in individuals with ARSG-related conditions. This variant is a gross deletion of the genomic region encompassing exon(s) 2 of the ARSG gene, which includes the initiator codon. The 5' end of this event is unknown as it extends beyond the assayed region for this gene and therefore may encompass additional genes. The 3' boundary is likely confined to intron 2 of the ARSG gene. It is expected to result in an absent or disrupted protein product. However, the current clinical and genetic evidence is not sufficient to establish whether loss-of-function variants in ARSG cause disease.